The following is an entry in ClinVar:

NM_001005242.3(PKP2):c.2405C>A (p.Ser802Tyr)

Gene: PKP2 (plakophilin 2; minus strand). Cytogenetic location: 12p11.21.
Variant type: single nucleotide variant.
Coding change: c.2405C>A on transcript NM_001005242.3 (MANE Select); coding-DNA position 2405, C replaced by A.
Protein change: p.Ser802Tyr; replaces serine 802 with tyrosine.
Molecular consequence: missense variant.
Genome position (GRCh38, 1-based): chr12:32,792,684, G>T on the plus strand (C>A on the coding strand, the complement: PKP2 is on the minus strand). VCF-style: chr12-32792684-G-T. GRCh37 (hg19) VCF-style: chr12-32945618-G-T.
Other names: p.S846Y:TCT>TAT; c.2537C>A, p.Ser846Tyr (NM_004572.4); short protein forms S846Y, S802Y.
Identifiers: ClinVar variation 201968 (VCV000201968.15), dbSNP rs768808114, ClinGen allele CA012150.

ClinVar aggregate classification (germline): Uncertain significance. Review status: criteria provided, multiple submitters, no conflicts (2 of 4 stars). 4 submissions from 4 submitters: Uncertain significance (4). Last evaluated 2024-09-23.

Conditions:
Arrhythmogenic right ventricular cardiomyopathy (ARVD). Also called: Arrhythmogenic cardiomyopathy; Arrhythmogenic Right Ventricular Cardiomyopathy (ARVC); Cardiomyopathy, ARVC; Arrhythmogenic right ventricular dysplasia. Identifiers: Orphanet 247, MedGen C0349788, MeSH D019571, MONDO:0016587. Disease mechanism: loss of function. Inheritance: Various modes of inheritance.
Cardiomyopathy (CMYO). Also called: Cardiomyopathies. Identifiers: Orphanet 167848, MedGen C0878544, MONDO:0004994, HP:0001638. Inheritance: Various modes of inheritance.
Arrhythmogenic right ventricular dysplasia 9 (ARVD9). Also called: Arrhythmogenic Right Ventricular Dysplasia/Cardiomyopathy 9; ARRHYTHMOGENIC RIGHT VENTRICULAR DYSPLASIA, FAMILIAL, 9. Identifiers: MedGen C1836906, MONDO:0012180, OMIM 609040.

gnomAD v4.1: 2 of 1,614,114 alleles (0.00012%); highest among the groups gnomAD compares: Non-Finnish European, 0.00017%; no homozygotes.

Submissions (4):

All of Us Research Program, National Institutes of Health
Classification: Uncertain significance for Arrhythmogenic right ventricular cardiomyopathy. Last evaluated: 2024-09-23. Review status: criteria provided, single submitter. Criteria: ACMG Guidelines, 2015. Collection method: clinical testing. Allele origin: germline. Inheritance: Autosomal dominant inheritance. Observed: 3 variant alleles, 3 heterozygotes.
Comment: This missense variant replaces serine with tyrosine at codon 846 of the PKP2 protein. Computational prediction suggests that this variant may not impact protein structure and function (internally defined REVEL score threshold <= 0.5, PMID: 27666373). To our knowledge, functional studies have not been reported for this variant. This variant has not been reported in individuals affected with PKP2-related disorders in the literature. This variant has not been identified in the general population by the Genome Aggregation Database (gnomAD). The available evidence is insufficient to determine the role of this variant in disease conclusively. Therefore, this variant is classified as a Variant of Uncertain Significance.

This study involves interpretation of variants in research participants for the purpose of population health screening. Participant phenotype was not available at the time of variant classification. Additional details can be found in publication PMID: 35346344, PMCID: PMC8962531

Color Diagnostics, LLC DBA Color Health
Classification: Uncertain significance for Cardiomyopathy. Last evaluated: 2024-04-10. Review status: criteria provided, single submitter. Criteria: ACMG Guidelines, 2015. Collection method: clinical testing. Allele origin: germline.
Comment: This missense variant replaces serine with tyrosine at codon 846 of the PKP2 protein. Computational prediction suggests that this variant may not impact protein structure and function (internally defined REVEL score threshold <= 0.5, PMID: 27666373). To our knowledge, functional studies have not been reported for this variant. This variant has not been reported in individuals affected with PKP2-related disorders in the literature. This variant has not been identified in the general population by the Genome Aggregation Database (gnomAD). The available evidence is insufficient to determine the role of this variant in disease conclusively. Therefore, this variant is classified as a Variant of Uncertain Significance.

GeneDx
Classification: Uncertain significance. Last evaluated: 2022-11-09. Review status: criteria provided, single submitter. Criteria: GeneDx Variant Classification Process June 2021. Collection method: clinical testing. Allele origin: germline. Affected: yes.
Comment: Has been reported in an individual with arrhythmogenic cardiomyopathy (Dries et al., 2021); Not observed at significant frequency in large population cohorts (gnomAD); In silico analysis supports that this missense variant has a deleterious effect on protein structure/function; This variant is associated with the following publications: (PMID: 34120153)

Labcorp Genetics (formerly Invitae), Labcorp
Classification: Uncertain significance for Arrhythmogenic right ventricular dysplasia 9. Last evaluated: 2022-01-15. Review status: criteria provided, single submitter. Criteria: Invitae Variant Classification Sherloc (09022015). Collection method: clinical testing. Allele origin: germline.
Comment: Algorithms developed to predict the effect of missense changes on protein structure and function are either unavailable or do not agree on the potential impact of this missense change (SIFT: "Deleterious"; PolyPhen-2: "Possibly Damaging"; Align-GVGD: "Class C15"). In summary, the available evidence is currently insufficient to determine the role of this variant in disease. Therefore, it has been classified as a Variant of Uncertain Significance. ClinVar contains an entry for this variant (Variation ID: 201968). This variant has not been reported in the literature in individuals affected with PKP2-related conditions. This variant is not present in population databases (gnomAD no frequency). This sequence change replaces serine, which is neutral and polar, with tyrosine, which is neutral and polar, at codon 846 of the PKP2 protein (p.Ser846Tyr).